The following is an entry in ClinVar:

ClinVar aggregate classification (germline): Benign/Likely benign. Review status: criteria provided, multiple submitters, no conflicts (2 of 4 stars). 3 submissions from 3 submitters: Benign (1); Likely benign (2). Last evaluated 2026-08-05.

Conditions:
Hereditary diffuse gastric adenocarcinoma (HDGC). Also called: DIFFUSE GASTRIC AND LOBULAR BREAST CANCER SYNDROME. Identifiers: Orphanet 26106, MedGen C1708349, MONDO:0007648, OMIM 137215.
Hereditary cancer-predisposing syndrome. Also called: Tumor predisposition; Hereditary neoplastic syndrome; Neoplastic Syndromes, Hereditary; Hereditary Cancer Syndrome. Identifiers: Orphanet 140162, MedGen C0027672, MeSH D009386, MONDO:0015356.

Allele frequency attached by ClinVar (database versions not stated): gnomAD exomes below 0.00001; TOPMed 0.00001.
gnomAD v4.1: 2 of 1,612,884 alleles (0.00012%); highest among the groups gnomAD compares: African/African-American, 0.0027%; no homozygotes.

Submissions (3):

Ambry Genetics
Classification: Likely benign for Hereditary cancer-predisposing syndrome. Last evaluated: 2026-08-05. Review status: criteria provided, single submitter. Criteria: Ambry Variant Classification Scheme 2023. Collection method: clinical testing. Allele origin: germline.

Labcorp Genetics (formerly Invitae), Labcorp
Classification: Likely benign for Hereditary diffuse gastric adenocarcinoma. Last evaluated: 2025-05-05. Review status: criteria provided, single submitter. Criteria: Invitae Variant Classification Sherloc (09022015). Collection method: clinical testing. Allele origin: germline.

Myriad Genetics, Inc.
Classification: Benign for Hereditary diffuse gastric adenocarcinoma. Last evaluated: 2024-09-19. Review status: criteria provided, single submitter. Criteria: Myriad Autosomal Dominant, Autosomal Recessive and X-Linked Classification Criteria (2023). Collection method: clinical testing. Allele origin: unknown.
Comment: This variant is considered benign. This variant is a silent/synonymous amino acid change and it is not expected to impact splicing.

NM_004360.5(CDH1):c.1722T>C (p.Val574=)

Gene: CDH1 (cadherin 1; plus strand). Cytogenetic location: 16q22.1.
Variant type: single nucleotide variant.
Coding change: c.1722T>C on transcript NM_004360.5 (MANE Select); coding-DNA position 1722, T replaced by C.
Protein change: p.Val574=; no amino-acid change (valine 574 retained).
Molecular consequence: synonymous variant. On other transcripts: 5 prime UTR variant (1).
Genome position (GRCh38, 1-based): chr16:68,822,011, T>C. VCF-style: chr16-68822011-T-C. GRCh37 (hg19) VCF-style: chr16-68855914-T-C.
Other names: c.1722T>C (NM_004360.3); c.1539T>C, p.Val513= (NM_001317184.2); c.174T>C, p.Val58= (NM_001317185.2); c.-244T>C (NM_001317186.2).
Identifiers: ClinVar variation 1649732 (VCV001649732.10), dbSNP rs1961156325, ClinGen allele CA496392345.